The following is an entry in ClinVar:

NM_001039591.3(USP9X):c.2189C>A (p.Ser730Tyr)

Gene: USP9X (ubiquitin specific peptidase 9 X-linked; plus strand). Cytogenetic location: Xp11.4.
Variant type: single nucleotide variant.
Coding change: c.2189C>A on transcript NM_001039591.3 (MANE Select); coding-DNA position 2189, C replaced by A.
Protein change: p.Ser730Tyr; replaces serine 730 with tyrosine.
Molecular consequence: missense variant.
Genome position (GRCh38, 1-based): chrX:41,166,075, C>A. VCF-style: chrX-41166075-C-A. GRCh37 (hg19) VCF-style: chrX-41025328-C-A.
Other names: c.2189C>A, p.Ser730Tyr (NM_001039590.3); c.2204C>A, p.Ser735Tyr (NM_001410748.1, NM_001410749.1, NM_001437534.1); short protein forms S730Y, S735Y.
Identifiers: ClinVar variation 4528280 (VCV004528280.1).
Genomic context (GRCh38, chrX:41,166,075, plus strand): 5'-ACTTAGATCCTGATATTAATAAGGACTTCTTTGAAAGTAATGTGCTTCAGCTTGATCCTT[C>A]TCTGTTAACTGAAAATGGAATGAAGTGTTTTGAGCGATTCTTCAAAGCTGTGAATTGTCG-3'
Protein context (NP_001034680.2, residues 720-740): FESNVLQLDP[Ser730Tyr]LLTENGMKCF

ClinVar aggregate classification (germline): Uncertain significance (1 of 4 stars; one submission).

gnomAD v4.1: 1 of 1,211,318 alleles (0.000083%); highest among the groups gnomAD compares: Non-Finnish European, 0.00011%; no homozygotes.

Submission:

GeneDx
Classification: Uncertain significance. Last evaluated: 2025-04-29. Review status: criteria provided, single submitter. Criteria: GeneDx Variant Classification Process June 2021. Collection method: clinical testing. Allele origin: germline. Affected: yes.
Comment: Not observed at significant frequency in large population cohorts (gnomAD); In silico analysis indicates that this missense variant does not alter protein structure/function; Has not been previously published as pathogenic or benign to our knowledge